The following is an entry in ClinVar:

ClinVar aggregate classification (germline): Uncertain significance. Review status: criteria provided, multiple submitters, no conflicts (2 of 4 stars). 3 submissions from 3 submitters: Uncertain significance (3). Last evaluated 2023-02-23.

Conditions:
Telangiectasia, hereditary hemorrhagic, type 1 (HHT1). Also called: Osler Weber Rendu syndrome type 1; ENG-Related Hereditary Hemorrhagic Telangiectasia. Identifiers: Orphanet 774, MedGen C4551861, MONDO:0008535, OMIM 187300. Disease mechanism: loss of function.
Cardiovascular phenotype. Identifiers: MedGen CN230736.
Hereditary hemorrhagic telangiectasia (HHT). Also called: ORW DISEASE; Osler Weber Rendu syndrome; OSLER-RENDU-WEBER DISEASE; Osler hemorrhagic telangiectasia syndrome. Identifiers: Orphanet 774, MedGen C0039445, MONDO:0019180. Disease mechanism: loss of function.

Submissions (3):

Ambry Genetics
Classification: Uncertain significance for Cardiovascular phenotype. Last evaluated: 2023-02-23. Review status: criteria provided, single submitter. Criteria: Ambry Variant Classification Scheme 2023. Collection method: clinical testing. Allele origin: germline.
Comment: The p.L12P variant (also known as c.35T>C), located in coding exon 1 of the ENG gene, results from a T to C substitution at nucleotide position 35. The leucine at codon 12 is replaced by proline, an amino acid with similar properties. This alteration has been reported in individuals with concerns for hereditary hemorrhagic telangiectasia (HHT) and segregated with disease in one family (Shovlin CL et al. Blood, 2020 Oct;136:1907-1918; Ambry internal data). This amino acid position is well conserved in available vertebrate species. In addition, the in silico prediction for this alteration is inconclusive. Since supporting evidence is limited at this time, the clinical significance of this alteration remains unclear.

Labcorp Genetics (formerly Invitae), Labcorp
Classification: Uncertain significance for Hereditary hemorrhagic telangiectasia. Last evaluated: 2019-05-28. Review status: criteria provided, single submitter. Criteria: Invitae Variant Classification Sherloc (09022015). Collection method: clinical testing. Allele origin: germline.
Comment: This variant has not been reported in the literature in individuals with ENG-related conditions. In summary, the available evidence is currently insufficient to determine the role of this variant in disease. Therefore, it has been classified as a Variant of Uncertain Significance. Algorithms developed to predict the effect of missense changes on protein structure and function are either unavailable or do not agree on the potential impact of this missense change (SIFT: "Tolerated"; PolyPhen-2: "Possibly Damaging"; Align-GVGD: "Class C0"). This variant is not present in population databases (ExAC no frequency). This sequence change replaces leucine with proline at codon 12 of the ENG protein (p.Leu12Pro). The leucine residue is weakly conserved and there is a moderate physicochemical difference between leucine and proline.

NIHR Bioresource Rare Diseases, University of Cambridge
Classification: Uncertain significance for Telangiectasia, hereditary hemorrhagic, type 1. Last evaluated: 2018-01-01. Review status: criteria provided, single submitter. Criteria: ACMG Guidelines, 2015. Collection method: research. Allele origin: unknown. Affected: yes. Observed: 1 variant allele.
Comment: PM2+PP4+PP3

Literature cited by the submitters: PubMed 32573726 (cited by Ambry Genetics and NIHR Bioresource Rare Diseases, University of Cambridge).

NM_001114753.3(ENG):c.35T>C (p.Leu12Pro)

Gene: ENG (endoglin; minus strand). Cytogenetic location: 9q34.11.
Variant type: single nucleotide variant.
Coding change: c.35T>C on transcript NM_001114753.3 (MANE Select); coding-DNA position 35, T replaced by C.
Protein change: p.Leu12Pro; replaces leucine 12 with proline.
Molecular consequence: missense variant.
Genome position (GRCh38, 1-based): chr9:127,854,321, A>G on the plus strand (T>C on the coding strand, the complement: ENG is on the minus strand). VCF-style: chr9-127854321-A-G. GRCh37 (hg19) VCF-style: chr9-130616600-A-G.
Other names: c.35T>C, p.Leu12Pro (NM_000118.4, NM_001406715.1); short protein forms L12P.
Identifiers: ClinVar variation 836897 (VCV000836897.15), dbSNP rs1829096574, ClinGen allele CA374989606.